The following is an entry in ClinVar:

ClinVar aggregate classification (germline): Likely benign. Review status: criteria provided, multiple submitters, no conflicts (2 of 4 stars). 3 submissions from 3 submitters: Likely benign (2). 1 of the submissions does not count toward it. Last evaluated 2025-07-31.

Conditions:
COL11A1-related disorder. Also called: COL11A1-related disorders; COL11A1-related condition.

Allele frequency attached by ClinVar (database versions not stated): gnomAD exomes 0.00001 and 0.00004; ExAC 0.00007; gnomAD 0.00010 and 0.00011; TOPMed 0.00014; ESP Exome Variant Server 0.00015; 1000 Genomes Project 30x 0.00031; 1000 Genomes Project 0.00040.
gnomAD v4.1: 32 of 1,613,568 alleles (0.002%); highest among the groups gnomAD compares: African/African-American, 0.037%; no homozygotes.

Submissions (3):

Labcorp Genetics (formerly Invitae), Labcorp
Classification: Likely benign. Last evaluated: 2025-07-31. Review status: criteria provided, single submitter. Criteria: Invitae Variant Classification Sherloc (09022015). Collection method: clinical testing. Allele origin: germline.

Blueprint Genetics
Classification: Likely benign. Last evaluated: 2022-09-08. Review status: criteria provided, single submitter. Criteria: ACMG Guidelines, 2015. Collection method: clinical testing. Allele origin: germline.

PreventionGenetics, part of Exact Sciences
Classification: Likely benign for COL11A1-related condition. Last evaluated: 2023-02-20. Review status: no assertion criteria provided. Collection method: clinical testing. Allele origin: germline. Not counted in ClinVar's aggregate classification.
Comment: This variant is classified as likely benign based on ACMG/AMP sequence variant interpretation guidelines (Richards et al. 2015 PMID: 25741868, with internal and published modifications).

NM_001854.4(COL11A1):c.4380G>A (p.Leu1460=)

Gene: COL11A1 (collagen type XI alpha 1 chain; minus strand). Cytogenetic location: 1p21.1.
Variant type: single nucleotide variant.
Coding change: c.4380G>A on transcript NM_001854.4 (MANE Select); coding-DNA position 4380, G replaced by A.
Protein change: p.Leu1460=; no amino-acid change (leucine 1460 retained).
Molecular consequence: synonymous variant. On other transcripts: non-coding transcript variant (1).
Genome position (GRCh38, 1-based): chr1:102,889,539, C>T on the plus strand (G>A on the coding strand, the complement: COL11A1 is on the minus strand). VCF-style: chr1-102889539-C-T. GRCh37 (hg19) VCF-style: chr1-103355095-C-T.
Other names: c.4380G>A (NM_001854.3); c.4263G>A, p.Leu1421= (NM_001190709.2); c.4416G>A, p.Leu1472= (NM_080629.3); c.4032G>A, p.Leu1344= (NM_080630.4).
Identifiers: ClinVar variation 1576666 (VCV001576666.11), dbSNP rs180734278, ClinGen allele CA973554.